The following is an entry in ClinVar:

NM_024675.4(PALB2):c.2477A>G (p.Asn826Ser)

Gene: PALB2 (partner and localizer of BRCA2; minus strand). Cytogenetic location: 16p12.2.
Variant type: single nucleotide variant.
Coding change: c.2477A>G on transcript NM_024675.4 (MANE Select); coding-DNA position 2477, A replaced by G.
Protein change: p.Asn826Ser; replaces asparagine 826 with serine.
Molecular consequence: missense variant.
Genome position (GRCh38, 1-based): chr16:23,629,677, T>C on the plus strand (A>G on the coding strand, the complement: PALB2 is on the minus strand). VCF-style: chr16-23629677-T-C. GRCh37 (hg19) VCF-style: chr16-23640998-T-C.
Other names: short protein forms N826S.
Identifiers: ClinVar variation 1381842 (VCV001381842.11), dbSNP rs2142372189, ClinGen allele CA395124050.

ClinVar aggregate classification (germline): Uncertain significance. Review status: criteria provided, multiple submitters, no conflicts (2 of 4 stars). 2 submissions from 2 submitters: Uncertain significance (2). Last evaluated 2022-09-06.

Conditions:
Hereditary cancer-predisposing syndrome. Also called: Tumor predisposition; Neoplastic Syndromes, Hereditary; Hereditary Cancer Syndrome; Hereditary neoplastic syndrome. Identifiers: Orphanet 140162, MedGen C0027672, MeSH D009386, MONDO:0015356.
Familial cancer of breast. Also called: Hereditary breast cancer; BREAST CANCER, FAMILIAL; hereditary breast carcinoma. Identifiers: Orphanet 227535, MedGen C0346153, MONDO:0016419, OMIM 114480. Disease mechanism: loss of function.

Submissions (2):

Color Diagnostics, LLC DBA Color Health
Classification: Uncertain significance for Hereditary cancer-predisposing syndrome. Last evaluated: 2022-09-06. Review status: criteria provided, single submitter. Criteria: ACMG Guidelines, 2015. Collection method: clinical testing. Allele origin: germline.
Comment: This missense variant replaces asparagine with serine at codon 826 of the PALB2 protein. Computational prediction suggests that this variant may not impact protein structure and function (internally defined REVEL score threshold <= 0.5, PMID: 27666373). To our knowledge, functional studies have not been reported for this variant. This variant has not been reported in individuals affected with hereditary cancer in the literature. This variant has not been identified in the general population by the Genome Aggregation Database (gnomAD). The available evidence is insufficient to determine the role of this variant in disease conclusively. Therefore, this variant is classified as a Variant of Uncertain Significance.

Labcorp Genetics (formerly Invitae), Labcorp
Classification: Uncertain significance for Familial cancer of breast. Last evaluated: 2021-07-17. Review status: criteria provided, single submitter. Criteria: Invitae Variant Classification Sherloc (09022015). Collection method: clinical testing. Allele origin: germline.
Comment: In summary, the available evidence is currently insufficient to determine the role of this variant in disease. Therefore, it has been classified as a Variant of Uncertain Significance. Algorithms developed to predict the effect of missense changes on protein structure and function output the following: SIFT: "Tolerated"; PolyPhen-2: "Benign"; Align-GVGD: "Class C0". The serine amino acid residue is found in multiple mammalian species, which suggests that this missense change does not adversely affect protein function. This variant has not been reported in the literature in individuals affected with PALB2-related conditions. This variant is not present in population databases (ExAC no frequency). This sequence change replaces asparagine with serine at codon 826 of the PALB2 protein (p.Asn826Ser). The asparagine residue is moderately conserved and there is a small physicochemical difference between asparagine and serine.